The following is an entry in ClinVar:

NM_004817.4(TJP2):c.2083G>T (p.Val695Leu)

Gene: TJP2 (tight junction protein 2; plus strand). Cytogenetic location: 9q21.11.
Variant type: single nucleotide variant.
Coding change: c.2083G>T on transcript NM_004817.4 (MANE Select); coding-DNA position 2083, G replaced by T.
Protein change: p.Val695Leu; replaces valine 695 with leucine.
Molecular consequence: missense variant.
Genome position (GRCh38, 1-based): chr9:69,237,040, G>T. VCF-style: chr9-69237040-G-T. GRCh37 (hg19) VCF-style: chr9-71851956-G-T.
Other names: c.2014G>T, p.Val672Leu (NM_001170414.2, NM_001369871.1); c.2095G>T, p.Val699Leu (NM_001170415.1, NM_001369874.1, NM_001369875.1); c.2176G>T, p.Val726Leu (NM_001170416.2); c.2008G>T, p.Val670Leu (NM_001369870.1); c.2083G>T, p.Val695Leu (NM_001369872.1, NM_001369873.1, NM_201629.3); short protein forms V670L, V672L, V695L, V699L, V726L.
Identifiers: ClinVar variation 2574232 (VCV002574232.2), dbSNP rs140497048, ClinGen allele CA5073575.
Genomic context (GRCh38, chr9:69,237,040, plus strand): 5'-CAGAGAGACAACGCTGGGGACCGGGCAGATTTCTGGAGAATGCGTGGCCAGAGGTCTGGG[G>T]TGAAGAAGAACCTGAGGAAAAGTCGGGAAGACCTCACAGCTGTTGTGTCTGTCAGCACCA-3'
Protein context (NP_004808.2, residues 685-705): FWRMRGQRSG[Val695Leu]KKNLRKSRED

ClinVar aggregate classification (germline): Uncertain significance (1 of 4 stars; one submission).

Allele frequency attached by ClinVar (database versions not stated): ExAC 0.00003; TOPMed 0.00005; gnomAD 0.00011; ESP Exome Variant Server 0.00015.
gnomAD v4.1: 27 of 1,614,062 alleles (0.0017%); highest among the groups gnomAD compares: African/African-American, 0.028%; no homozygotes.

Submission:

GeneDx
Classification: Uncertain significance. Last evaluated: 2025-05-22. Review status: criteria provided, single submitter. Criteria: GeneDx Variant Classification Process June 2021. Collection method: clinical testing. Allele origin: germline. Affected: yes.
Comment: In silico analysis suggests that this missense variant does not alter protein structure/function; Has not been previously published as pathogenic or benign to our knowledge